The following is an entry in ClinVar:

ClinVar aggregate classification (germline): Benign (1 of 4 stars; one submission).

Allele frequency attached by ClinVar (database versions not stated): gnomAD 0.10241; TOPMed 0.11143; 1000 Genomes Project 0.13119; 1000 Genomes Project 30x 0.13476.
gnomAD v4.1: 15,159 of 151,582 alleles (10%); highest among the groups gnomAD compares: African/African-American, 29%; 1,748 homozygotes.

Submission:

GeneDx
Classification: Benign. Last evaluated: 2018-06-19. Review status: criteria provided, single submitter. Criteria: GeneDx Variant Classification (06012015). Collection method: clinical testing. Allele origin: germline. Affected: yes.
Comment: This variant is considered likely benign or benign based on one or more of the following criteria: it is a conservative change, it occurs at a poorly conserved position in the protein, it is predicted to be benign by multiple in silico algorithms, and/or has population frequency not consistent with disease.

NM_000090.4(COL3A1):c.528+250T>A

Gene: COL3A1 (collagen type III alpha 1 chain; plus strand). Cytogenetic location: 2q32.2.
Variant type: single nucleotide variant.
Coding change: c.528+250T>A on transcript NM_000090.4 (MANE Select); 250 bases into the intron after coding-DNA position 528, T replaced by A.
Molecular consequence: intron variant.
Genome position (GRCh38, 1-based): chr2:188,987,389, T>A. VCF-style: chr2-188987389-T-A. GRCh37 (hg19) VCF-style: chr2-189852115-T-A.
Identifiers: ClinVar variation 668733 (VCV000668733.1), dbSNP rs7576108, ClinGen allele CA62587537.